The following is an entry in ClinVar:

ClinVar aggregate classification (germline): Uncertain significance (1 of 4 stars; one submission).

Conditions:
Nephrolithiasis/nephrocalcinosis. Identifiers: MedGen CN580796.

Submission:

Ambry Genetics
Classification: Uncertain significance for Nephrolithiasis/nephrocalcinosis. Last evaluated: 2022-02-03. Review status: criteria provided, single submitter. Criteria: Ambry Variant Classification Scheme 2023. Collection method: clinical testing. Allele origin: germline.
Comment: The p.E277Q variant (also known as c.829G>C), located in coding exon 3 of the CASR gene, results from a G to C substitution at nucleotide position 829. The glutamic acid at codon 277 is replaced by glutamine, an amino acid with highly similar properties. This amino acid position is conserved. In addition, the in silico prediction for this alteration is inconclusive. Since supporting evidence is limited at this time, the clinical significance of this alteration remains unclear.

NM_000388.4(CASR):c.829G>C (p.Glu277Gln)

Gene: CASR (calcium sensing receptor; plus strand). Cytogenetic location: 3q21.1.
Variant type: single nucleotide variant.
Coding change: c.829G>C on transcript NM_000388.4 (MANE Select); coding-DNA position 829, G replaced by C.
Protein change: p.Glu277Gln; replaces glutamic acid 277 with glutamine.
Molecular consequence: missense variant.
Genome position (GRCh38, 1-based): chr3:122,261,864, G>C. VCF-style: chr3-122261864-G-C. GRCh37 (hg19) VCF-style: chr3-121980711-G-C.
Other names: c.829G>C, p.Glu277Gln (NM_001178065.2); short protein forms E277Q.
Identifiers: ClinVar variation 1762802 (VCV001762802.2), dbSNP rs200554202, ClinGen allele CA82738575.